The following is an entry in ClinVar:

NM_004963.4(GUCY2C):c.2045C>T (p.Thr682Ile)

Gene: GUCY2C (guanylate cyclase 2C; minus strand). Cytogenetic location: 12p12.3.
Variant type: single nucleotide variant.
Coding change: c.2045C>T on transcript NM_004963.4 (MANE Select); coding-DNA position 2045, C replaced by T.
Protein change: p.Thr682Ile; replaces threonine 682 with isoleucine.
Molecular consequence: missense variant.
Genome position (GRCh38, 1-based): chr12:14,641,105, G>A on the plus strand (C>T on the coding strand, the complement: GUCY2C is on the minus strand). VCF-style: chr12-14641105-G-A. GRCh37 (hg19) VCF-style: chr12-14794039-G-A.
Other names: short protein forms T682I.
Identifiers: ClinVar variation 4808616 (VCV004808616.1).

ClinVar aggregate classification (germline): Uncertain significance (1 of 4 stars; one submission).

gnomAD v4.1: 5 of 1,613,558 alleles (0.00031%); highest among the groups gnomAD compares: Non-Finnish European, 0.00042%; no homozygotes.

Submission:

Labcorp Genetics (formerly Invitae), Labcorp
Classification: Uncertain significance. Last evaluated: 2025-07-30. Review status: criteria provided, single submitter. Criteria: Invitae Variant Classification Sherloc (09022015). Collection method: clinical testing. Allele origin: germline.
Comment: This sequence change replaces threonine, which is neutral and polar, with isoleucine, which is neutral and non-polar, at codon 682 of the GUCY2C protein (p.Thr682Ile). This variant is present in population databases (no rsID available, gnomAD 0.007%). This variant has not been reported in the literature in individuals affected with GUCY2C-related conditions. Invitae Evidence Modeling of protein sequence and biophysical properties (such as structural, functional, and spatial information, amino acid conservation, physicochemical variation, residue mobility, and thermodynamic stability) indicates that this missense variant is not expected to disrupt GUCY2C protein function with a negative predictive value of 80%. In summary, the available evidence is currently insufficient to determine the role of this variant in disease. Therefore, it has been classified as a Variant of Uncertain Significance.